The following is an entry in ClinVar:

NM_001164508.2(NEB):c.12600_12601del (p.Glu4200fs)

Gene: NEB (nebulin; minus strand). Cytogenetic location: 2q23.3.
Variant type: Microsatellite.
Coding change: c.12600_12601del on transcript NM_001164508.2 (MANE Select); coding-DNA positions 12600 to 12601, 2 bases deleted (GA; older notation c.12600_12601delGA).
Protein change: p.Glu4200fs; shifts the reading frame from glutamic acid 4200.
Molecular consequence: frameshift variant. On other transcripts: intron variant (1).
Genome position (GRCh38, 1-based): chr2:151,607,542-151,607,543, TC deleted on the plus strand (GA on the coding strand, the reverse complement: NEB is on the minus strand); deleting any 2 consecutive bases within chr2:151,607,542-151,607,545 gives the same sequence; the c. name uses the placement nearest the transcript's 3' end. VCF-style (leftmost placement, unchanged base first): chr2-151607541-ATC-A. GRCh37 (hg19) VCF-style: chr2-152464055-ATC-A.
Other names: c.12600_12601del, p.Glu4200fs (NM_001164507.2, NM_001271208.2); c.11601+2266_11601+2267del (NM_004543.5); short protein forms E4200fs.
Identifiers: ClinVar variation 1942449 (VCV001942449.5), dbSNP rs2552225568, ClinGen allele CA2580614359.

ClinVar aggregate classification (germline): Pathogenic (1 of 4 stars; one submission).

Conditions:
Nemaline myopathy 2 (NEM2). Also called: Nemaline myopathy 2, autosomal recessive. Identifiers: MedGen C1850569, MONDO:0009725, OMIM 256030.

Submission:

Labcorp Genetics (formerly Invitae), Labcorp
Classification: Pathogenic for Nemaline myopathy 2. Last evaluated: 2025-12-22. Review status: criteria provided, single submitter. Criteria: Invitae Variant Classification Sherloc (09022015). Collection method: clinical testing. Allele origin: germline.
Comment: This variant occurs in a region of NEB (Exons 82-105) consisting of three highly homologous 8-exon repeat units (exons 82-89, exons 90-97, exons 98-105). Sequence variants in this region can be detected, but this assay cannot determine which of the three repeat units is affected, and zygosity is often ambiguous. All variants in this region are reported relative to the exon 82-89 repeat. It is expected to result in an absent or disrupted protein product. Loss-of-function variants in NEB are known to be pathogenic (PMID: 25205138). The frequency data for this variant in the population databases (gnomAD) is considered unreliable due to the presence of homologous sequence, such as pseudogenes or paralogs, in the genome. This variant has not been reported in the literature in individuals affected with NEB-related conditions. For these reasons, this variant has been classified as Pathogenic.

Literature cited by the submitters: PubMed 25205138.